The following is an entry in ClinVar:

ClinVar aggregate classification (germline): Pathogenic (1 of 4 stars; one submission).

Submission:

GeneDx
Classification: Pathogenic. Last evaluated: 2018-02-13. Review status: criteria provided, single submitter. Criteria: GeneDx Variant Classification (06012015). Collection method: clinical testing. Allele origin: germline. Affected: yes.
Comment: The c.12278_12279delTG variant in the PKD1 gene has not been reported previously as a pathogenic variant nor as a benign variant, to our knowledge. The c.12278_12279delTG variant causes a frameshift starting with codon Leucine 4093, changes this amino acid to a Proline residue, and creates a premature Stop codon at position 63 of the new reading frame, denoted p.Leu4093ProfsX63. This variant is predicted to cause loss of normal protein function through protein truncation. The c.12278_12279delTG variant is not observed in large population cohorts (Lek et al., 2016). We interpret c.12278_12279delTG as a pathogenic variant.

NM_001009944.3(PKD1):c.12278_12279del (p.Leu4093fs)

Gene: PKD1 (polycystin 1, transient receptor potential channel interacting; minus strand). Cytogenetic location: 16p13.3.
Variant type: Deletion.
Coding change: c.12278_12279del on transcript NM_001009944.3 (MANE Select); coding-DNA positions 12278 to 12279, 2 bases deleted (TG; older notation c.12278_12279delTG).
Protein change: p.Leu4093fs; shifts the reading frame from leucine 4093.
Molecular consequence: frameshift variant.
Genome position (GRCh38, 1-based): chr16:2,090,450-2,090,451, CA deleted on the plus strand (TG on the coding strand, the reverse complement: PKD1 is on the minus strand). VCF-style (leftmost placement, unchanged base first): chr16-2090449-GCA-G. GRCh37 (hg19) VCF-style: chr16-2140450-GCA-G.
Other names: c.12275_12276del, p.Leu4092fs (NM_000296.4); short protein forms L4093fs, L4092fs.
Identifiers: ClinVar variation 504231 (VCV000504231.2), dbSNP rs1555444648, ClinGen allele CA658798502.
Genomic context (GRCh38, chr16:2,090,449, plus strand): 5'-GCAAGGCGTGGTAGCGCCAGCGGAGAATAACAGCCCCCAGCCGTAGGGCGCCCCACAGCC[GCA>G]GTGCCCAGAGCCCCACACACAGCAGGGGTGACAGGTGCCAGGACTCGGCAGGACACAGGG-3'